The following is an entry in ClinVar:

NM_002317.7(LOX):c.454C>G (p.Pro152Ala)

Genes: LOX (lysyl oxidase; minus strand), SRFBP1 (serum response factor binding protein 1; plus strand). Cytogenetic location: 5q23.1.
Variant type: single nucleotide variant.
Coding change: c.454C>G on transcript NM_002317.7 (MANE Select); coding-DNA position 454, C replaced by G.
Protein change: p.Pro152Ala; replaces proline 152 with alanine.
Molecular consequence: missense variant.
Genome position (GRCh38, 1-based): chr5:122,077,532, G>C on the plus strand (C>G on the coding strand, the complement: LOX is on the minus strand). VCF-style: chr5-122077532-G-C. GRCh37 (hg19) VCF-style: chr5-121413227-G-C.
Other names: short protein forms P152A.
Identifiers: ClinVar variation 1741412 (VCV001741412.3), dbSNP rs750748531, ClinGen allele CA3384033.
Genomic context (GRCh38, chr5:122,077,532, plus strand): 5'-AAGGGTCGTCGCCCACCATGCCGTCCACGCGGCTGGGCGGCCGCAGGTTACTGAGCGCAG[G>C]AACTTCTCCCGGCGCTGTCTGGTTCTCCGCGCGCGAGGCGCCAGCTTCGCGGGCTCTAGA-3'
Protein context (NP_002308.2, residues 142-162): AENQTAPGEV[Pro152Ala]ALSNLRPPSR

ClinVar aggregate classification (germline): Conflicting classifications of pathogenicity. Review status: criteria provided, conflicting classifications (1 of 4 stars). 2 submissions from 2 submitters: Uncertain significance (1); Likely benign (1). Last evaluated 2026-01-02.

Conditions:
Cardiovascular phenotype. Identifiers: MedGen CN230736.

Allele frequency attached by ClinVar (database versions not stated): gnomAD exomes below 0.00001; ExAC 0.00001; gnomAD 0.00002; TOPMed 0.00001.
gnomAD v4.1: 5 of 1,613,620 alleles (0.00031%); highest among the groups gnomAD compares: African/African-American, 0.0067%; no homozygotes.

Submissions (2):

Labcorp Genetics (formerly Invitae), Labcorp
Classification: Likely benign. Last evaluated: 2026-01-02. Review status: criteria provided, single submitter. Criteria: Invitae Variant Classification Sherloc (09022015). Collection method: clinical testing. Allele origin: germline.

Ambry Genetics
Classification: Uncertain significance for Cardiovascular phenotype. Last evaluated: 2022-08-16. Review status: criteria provided, single submitter. Criteria: Ambry Variant Classification Scheme 2023. Collection method: clinical testing. Allele origin: germline.
Comment: The p.P152A variant (also known as c.454C>G), located in coding exon 1 of the LOX gene, results from a C to G substitution at nucleotide position 454. The proline at codon 152 is replaced by alanine, an amino acid with highly similar properties. This amino acid position is conserved. In addition, this alteration is predicted to be tolerated by in silico analysis. Since supporting evidence is limited at this time, the clinical significance of this alteration remains unclear.